The following is an entry in ClinVar:

NC_000017.10:g.(?_41215330)_(41226558_?)del

Gene: BRCA1 (BRCA1 DNA repair associated; minus strand). Cytogenetic location: 17q21.31.
Variant type: Deletion.
Identifiers: ClinVar variation 1420319 (VCV001420319.8).

ClinVar aggregate classification (germline): Pathogenic (1 of 4 stars; one submission).

Conditions:
Hereditary breast ovarian cancer syndrome. Also called: Hereditary breast and/or ovarian cancer syndrome; BRCA1- and BRCA2-Associated Hereditary Breast and Ovarian Cancer; Hereditary breast and ovarian cancer syndrome; Hereditary breast and ovarian cancer; Hereditary breast and ovarian cancer syndrome (HBOC); Breast and ovarian cancer. Identifiers: Orphanet 145, MedGen C0677776, MeSH D061325, MONDO:0003582. Disease mechanism: loss of function.

Submission:

Labcorp Genetics (formerly Invitae), Labcorp
Classification: Pathogenic for Hereditary breast ovarian cancer syndrome. Last evaluated: 2022-09-13. Review status: criteria provided, single submitter. Criteria: Invitae Variant Classification Sherloc (09022015). Collection method: clinical testing. Allele origin: germline.
Comment: For these reasons, this variant has been classified as Pathogenic. This variant has not been reported in the literature in individuals affected with BRCA1-related conditions. This variant is a gross deletion of the genomic region encompassing exon(s) 14-18 of the BRCA1 gene. This deletion is out-of-frame, and is expected to create a premature termination codon and result in an absent or disrupted protein product. Loss-of-function variants in BRCA1 are known to be pathogenic (PMID: 20104584).

Literature cited by the submitters: PubMed 20104584.